The following is an entry in ClinVar:

NM_001376.5(DYNC1H1):c.7007C>T (p.Pro2336Leu)

Gene: DYNC1H1 (dynein cytoplasmic 1 heavy chain 1; plus strand). Cytogenetic location: 14q32.31.
Variant type: single nucleotide variant.
Coding change: c.7007C>T on transcript NM_001376.5 (MANE Select); coding-DNA position 7007, C replaced by T.
Protein change: p.Pro2336Leu; replaces proline 2336 with leucine.
Molecular consequence: missense variant.
Genome position (GRCh38, 1-based): chr14:102,012,463, C>T. VCF-style: chr14-102012463-C-T. GRCh37 (hg19) VCF-style: chr14-102478800-C-T.
Other names: short protein forms P2336L.
Identifiers: ClinVar variation 2697043 (VCV002697043.3), dbSNP rs2503757988, ClinGen allele CA391059297.
Genomic context (GRCh38, chr14:102,012,463, plus strand): 5'-ACTCAGTGCTGGATGACAATAAGCTCCTAACTTTGCCCAATGGAGAGCGCCTCAGTCTTC[C>T]ACCCAATGTAAGTAGCCTTTTGTATGTCGTCAACTGAATAATTCCTTTTGGCCAACTAAA-3'
Protein context (NP_001367.2, residues 2326-2346): TLPNGERLSL[Pro2336Leu]PNVRIMFEVQ

ClinVar aggregate classification (germline): Uncertain significance (1 of 4 stars; one submission).

Conditions:
Charcot-Marie-Tooth disease axonal type 2O. Also called: CHARCOT-MARIE-TOOTH NEUROPATHY, AXONAL, TYPE 2O; CHARCOT-MARIE-TOOTH DISEASE, AXONAL, AUTOSOMAL DOMINANT, TYPE 2O; Charcot-Marie-Tooth Neuropathy Type 2O; Charcot-Marie-Tooth disease, axonal, type 20. Identifiers: Orphanet 284232, MedGen C3280220, MONDO:0013644, OMIM 614228.

Submission:

Labcorp Genetics (formerly Invitae), Labcorp
Classification: Uncertain significance for Charcot-Marie-Tooth disease axonal type 2O. Last evaluated: 2023-12-04. Review status: criteria provided, single submitter. Criteria: Invitae Variant Classification Sherloc (09022015). Collection method: clinical testing. Allele origin: germline.
Comment: This sequence change replaces proline, which is neutral and non-polar, with leucine, which is neutral and non-polar, at codon 2336 of the DYNC1H1 protein (p.Pro2336Leu). This variant is not present in population databases (gnomAD no frequency). This variant has not been reported in the literature in individuals affected with DYNC1H1-related conditions. Advanced modeling of protein sequence and biophysical properties (such as structural, functional, and spatial information, amino acid conservation, physicochemical variation, residue mobility, and thermodynamic stability) performed at Invitae indicates that this missense variant is expected to disrupt DYNC1H1 protein function with a positive predictive value of 95%. In summary, the available evidence is currently insufficient to determine the role of this variant in disease. Therefore, it has been classified as a Variant of Uncertain Significance.